The following is an entry in ClinVar:

NM_001211.6(BUB1B):c.1058+2T>G

Gene: BUB1B (BUB1 mitotic checkpoint serine/threonine kinase B; plus strand). Cytogenetic location: 15q15.1.
Variant type: single nucleotide variant.
Coding change: c.1058+2T>G on transcript NM_001211.6 (MANE Select); the canonical splice donor site of the intron after coding-DNA position 1058, T replaced by G.
Molecular consequence: splice donor variant.
Genome position (GRCh38, 1-based): chr15:40,185,644, T>G. VCF-style: chr15-40185644-T-G. GRCh37 (hg19) VCF-style: chr15-40477845-T-G.
Identifiers: ClinVar variation 4999248 (VCV004999248.1).

ClinVar aggregate classification (germline): Likely pathogenic (1 of 4 stars; one submission).

Conditions:
BUB1B-related disorder. Also called: BUB1B-related condition.

Submission:

PreventionGenetics, part of Exact Sciences
Classification: Likely pathogenic for BUB1B-related condition. Last evaluated: 2025-06-23. Review status: criteria provided, single submitter. Criteria: ACMG Guidelines, 2015. Collection method: clinical testing. Allele origin: germline.
Comment: The BUB1B c.1058+2T>G variant is predicted to disrupt the GT donor site and interfere with normal splicing. To our knowledge, this variant has not been reported in the literature or in a large population database (gnomAD), indicating this variant is rare. At this time, this variant has not been reported in ClinVar. Variants that disrupt the consensus splice donor site in BUB1B are expected to be pathogenic. This variant is interpreted as likely pathogenic.